The following is an entry in ClinVar:

NM_000334.4(SCN4A):c.483-5C>A

Gene: SCN4A (sodium voltage-gated channel alpha subunit 4; minus strand). Cytogenetic location: 17q23.3.
Variant type: single nucleotide variant.
Coding change: c.483-5C>A on transcript NM_000334.4 (MANE Select); 5 bases into the intron before coding-DNA position 483, C replaced by A.
Molecular consequence: intron variant.
Genome position (GRCh38, 1-based): chr17:63,971,855, G>T on the plus strand (C>A on the coding strand, the complement: SCN4A is on the minus strand). VCF-style: chr17-63971855-G-T. GRCh37 (hg19) VCF-style: chr17-62049215-G-T.
Other names: p.?.
Identifiers: ClinVar variation 324550 (VCV000324550.45), dbSNP rs191547933, ClinGen allele CA8710136.

ClinVar aggregate classification (germline): Conflicting classifications of pathogenicity. Review status: criteria provided, conflicting classifications (1 of 4 stars). 13 submissions from 9 submitters: Uncertain significance (1); Benign (7); Likely benign (3). 2 of the submissions do not count toward it. Last evaluated 2026-01-12.

Conditions:
Hypokalemic periodic paralysis, type 2 (HOKPP2). Identifiers: Orphanet 681, MedGen C2750061, MONDO:0013234, OMIM 613345.
Congenital myasthenic syndrome 16. Identifiers: Orphanet 590, MedGen C3280112, MONDO:0013620, OMIM 614198.
Potassium-aggravated myotonia. Also called: Myotonia congenita, atypical, acetazolamide-responsive; MYOTONIA CONGENITA, ACETAZOLAMIDE-RESPONSIVE; MYOTONIA CONGENITA, ATYPICAL; SODIUM CHANNEL MUSCLE DISEASE. Identifiers: Orphanet 612, Orphanet 99734, Orphanet 99735, Orphanet 99736, MedGen C2931826, MONDO:0018959, OMIM 608390.
Paramyotonia congenita of Von Eulenburg. Also called: Paramyotonia Congenita; PARALYSIS PERIODICA PARAMYOTONICA; Eulenburg disease; Myotonia congenita intermittens; Von Eulenburg paramyotonia congenita. Identifiers: Orphanet 684, MedGen C0221055, MONDO:0008195, OMIM 168300. Disease mechanism: loss of function.
Hyperkalemic periodic paralysis. Also called: Familial hyperkalemic periodic paralysis; Gamstorp disease. Identifiers: Orphanet 682, MedGen C0238357, MONDO:0008224, OMIM 170500, HP:0007215.

Allele frequency attached by ClinVar (database versions not stated): 1000 Genomes Project 30x 0.00016; ESP Exome Variant Server 0.00083; TOPMed 0.00077.
gnomAD v4.1: 1,316 of 1,525,780 alleles (0.086%); highest among the groups gnomAD compares: Non-Finnish European, 0.086%; 1 homozygote.

Submissions (13):

Labcorp Genetics (formerly Invitae), Labcorp
Classification: Benign for Hyperkalemic periodic paralysis. Last evaluated: 2026-01-12. Review status: criteria provided, single submitter. Criteria: Invitae Variant Classification Sherloc (09022015). Collection method: clinical testing. Allele origin: germline.

CeGaT Center for Human Genetics Tuebingen
Classification: Likely benign. Last evaluated: 2026-01-01. Review status: criteria provided, single submitter. Criteria: CeGaT Center For Human Genetics Tuebingen Variant Classification Criteria Version 2. Collection method: clinical testing. Allele origin: germline. Affected: yes. Observed: 5 variant alleles.
Comment: SCN4A: BP4

Mayo Clinic Laboratories, Mayo Clinic
Classification: Benign. Last evaluated: 2025-03-03. Review status: criteria provided, single submitter. Criteria: ACMG Guidelines, 2015. Collection method: clinical testing. Allele origin: germline. Observed: 2 variant alleles.
Comment: BA1, BP4, BP7

Athena Diagnostics
Classification: Benign. Last evaluated: 2025-01-17. Review status: criteria provided, single submitter. Criteria: Athena Diagnostics Criteria. Collection method: clinical testing. Allele origin: unknown.
Comment: The frequency of this variant in the general population is higher than would generally be expected for pathogenic variants in this gene.

Blueprint Genetics
Classification: Likely benign. Last evaluated: 2024-11-21. Review status: criteria provided, single submitter. Criteria: ACMG Guidelines, 2015. Collection method: clinical testing. Allele origin: germline.

GeneDx
Classification: Likely benign. Last evaluated: 2020-07-08. Review status: criteria provided, single submitter. Criteria: GeneDx Variant Classification Process June 2021. Collection method: clinical testing. Allele origin: germline. Affected: yes.

Illumina Laboratory Services, Illumina
Classification: Benign for Hypokalemic periodic paralysis, type 2. Last evaluated: 2018-01-12. Review status: criteria provided, single submitter. Criteria: ICSL Variant Classification Criteria 13 December 2019. Collection method: clinical testing. Allele origin: germline.
Comment: This variant was observed in the ICSL laboratory as part of a predisposition screen in an ostensibly healthy population. It had not been previously curated by ICSL or reported in the Human Gene Mutation Database (HGMD: prior to June 1st, 2018), and was therefore a candidate for classification through an automated scoring system. Utilizing variant allele frequency, disease prevalence and penetrance estimates, and inheritance mode, an automated score was calculated to assess if this variant is too frequent to cause the disease. Based on the score and internal cut-off values, a variant classified as benign is not then subjected to further curation. The score for this variant resulted in a classification of benign for this disease.

Illumina Laboratory Services, Illumina
Classification: Benign for Hyperkalemic periodic paralysis. Last evaluated: 2018-01-12. Review status: criteria provided, single submitter. Criteria: ICSL Variant Classification Criteria 13 December 2019. Collection method: clinical testing. Allele origin: germline.
Comment: the same text as in the submission from Illumina Laboratory Services, Illumina above.

Illumina Laboratory Services, Illumina
Classification: Uncertain significance for Congenital myasthenic syndrome 16. Last evaluated: 2018-01-12. Review status: criteria provided, single submitter. Criteria: ICSL Variant Classification Criteria 13 December 2019. Collection method: clinical testing. Allele origin: germline.

Illumina Laboratory Services, Illumina
Classification: Benign for Potassium-aggravated myotonia. Last evaluated: 2018-01-12. Review status: criteria provided, single submitter. Criteria: ICSL Variant Classification Criteria 13 December 2019. Collection method: clinical testing. Allele origin: germline.
Comment: the same text as in the submission from Illumina Laboratory Services, Illumina above.

Illumina Laboratory Services, Illumina
Classification: Benign for Paramyotonia congenita of Von Eulenburg. Last evaluated: 2018-01-12. Review status: criteria provided, single submitter. Criteria: ICSL Variant Classification Criteria 13 December 2019. Collection method: clinical testing. Allele origin: germline.
Comment: the same text as in the submission from Illumina Laboratory Services, Illumina above.

Genome Diagnostics Laboratory, University Medical Center Utrecht
Classification: Likely benign. Review status: no assertion criteria provided. Collection method: clinical testing. Allele origin: germline. Affected: yes. Study: VKGL Data-share Consensus. Not counted in ClinVar's aggregate classification.

Laboratory of Diagnostic Genome Analysis, Leiden University Medical Center (LUMC)
Classification: Likely benign. Review status: no assertion criteria provided. Collection method: clinical testing. Allele origin: germline. Affected: yes. Study: VKGL Data-share Consensus. Not counted in ClinVar's aggregate classification.